The following is an entry in ClinVar:

NM_000096.4(CP):c.3033T>A (p.Tyr1011Ter)

Gene: CP (ceruloplasmin; minus strand). Cytogenetic location: 3q24.
Variant type: single nucleotide variant.
Coding change: c.3033T>A on transcript NM_000096.4 (MANE Select); coding-DNA position 3033, T replaced by A.
Protein change: p.Tyr1011Ter; replaces tyrosine 1011 with a stop codon.
Molecular consequence: nonsense.
Genome position (GRCh38, 1-based): chr3:149,176,398, A>T on the plus strand (T>A on the coding strand, the complement: CP is on the minus strand). VCF-style: chr3-149176398-A-T. GRCh37 (hg19) VCF-style: chr3-148894185-A-T.
Other names: short protein forms Y1011*.
Identifiers: ClinVar variation 3347418 (VCV003347418.1).

ClinVar aggregate classification (germline): Pathogenic (0 of 4 stars; one submission).

Conditions:
CP-related disorder. Also called: CP-related condition.

Submission:

PreventionGenetics, part of Exact Sciences
Classification: Pathogenic for CP-related condition. Last evaluated: 2024-04-12. Review status: no assertion criteria provided. Collection method: clinical testing. Allele origin: germline.
Comment: The CP c.3033T>A variant is predicted to result in premature protein termination (p.Tyr1011*). To our knowledge, this variant has not been reported in the literature or in a large population database, indicating this variant is rare. Nonsense variants in CP are expected to be pathogenic. This variant is interpreted as pathogenic.